The following is an entry in ClinVar:

ClinVar aggregate classification (germline): Uncertain significance (1 of 4 stars; one submission).

Conditions:
Hereditary cancer-predisposing syndrome. Also called: Neoplastic Syndromes, Hereditary; Hereditary Cancer Syndrome; Hereditary neoplastic syndrome; Tumor predisposition. Identifiers: Orphanet 140162, MedGen C0027672, MeSH D009386, MONDO:0015356.

Submission:

Ambry Genetics
Classification: Uncertain significance for Hereditary cancer-predisposing syndrome. Last evaluated: 2023-04-03. Review status: criteria provided, single submitter. Criteria: Ambry Variant Classification Scheme 2023. Collection method: clinical testing. Allele origin: germline.
Comment: The p.H71P variant (also known as c.212A>C), located in coding exon 2 of the CDC73 gene, results from an A to C substitution at nucleotide position 212. The histidine at codon 71 is replaced by proline, an amino acid with similar properties. This amino acid position is conserved. In addition, this alteration is predicted to be deleterious by in silico analysis. Since supporting evidence is limited at this time, the clinical significance of this alteration remains unclear.

NM_024529.5(CDC73):c.212A>C (p.His71Pro)

Gene: CDC73 (cell division cycle 73; plus strand). Cytogenetic location: 1q31.2.
Variant type: single nucleotide variant.
Coding change: c.212A>C on transcript NM_024529.5 (MANE Select); coding-DNA position 212, A replaced by C.
Protein change: p.His71Pro; replaces histidine 71 with proline.
Molecular consequence: missense variant.
Genome position (GRCh38, 1-based): chr1:193,125,192, A>C. VCF-style: chr1-193125192-A-C. GRCh37 (hg19) VCF-style: chr1-193094322-A-C.
Other names: short protein forms H71P.
Identifiers: ClinVar variation 2565269 (VCV002565269.2), dbSNP rs2527289556, ClinGen allele CA343973206.